The following is an entry in ClinVar:

NM_001374353.1(GLI2):c.2651C>T (p.Pro884Leu)

Gene: GLI2 (GLI family zinc finger 2; plus strand). Cytogenetic location: 2q14.2.
Variant type: single nucleotide variant.
Coding change: c.2651C>T on transcript NM_001374353.1 (MANE Select); coding-DNA position 2651, C replaced by T.
Protein change: p.Pro884Leu; replaces proline 884 with leucine.
Molecular consequence: missense variant.
Genome position (GRCh38, 1-based): chr2:120,988,616, C>T. VCF-style: chr2-120988616-C-T. GRCh37 (hg19) VCF-style: chr2-121746192-C-T.
Other names: c.2702C>T, p.Pro901Leu (NM_001371271.1, NM_005270.5); c.2276C>T, p.Pro759Leu (NM_001374354.1); short protein forms P759L, P884L, P901L.
Identifiers: ClinVar variation 2633140 (VCV002633140.1), dbSNP rs765733921, ClinGen allele CA348168703.

ClinVar aggregate classification (germline): Uncertain significance (1 of 4 stars; one submission).

Conditions:
GLI2-related disorder. Also called: GLI2-related condition; GLI2-related disorders.

Submission:

PreventionGenetics, part of Exact Sciences
Classification: Uncertain significance for GLI2-related condition. Last evaluated: 2023-05-20. Review status: criteria provided, single submitter. Criteria: ACMG Guidelines, 2015. Collection method: clinical testing. Allele origin: germline.
Comment: The GLI2 c.2702C>T variant is predicted to result in the amino acid substitution p.Pro901Leu. To our knowledge, this variant has not been reported in the literature or in a large population database, indicating this variant is rare. At this time, the clinical significance of this variant is uncertain due to the absence of conclusive functional and genetic evidence.